The following is an entry in ClinVar:

ClinVar aggregate classification (germline): Uncertain significance. Review status: criteria provided, single submitter (1 of 4 stars). 2 submissions from 2 submitters: Uncertain significance (1). 1 of the submissions does not count toward it. Last evaluated 2022-02-09.

Conditions:
TBX3-related disorder. Also called: TBX3-related condition.
Ulnar-mammary syndrome (UMS). Also called: Ulnar-mammary syndrome of Pallister; PALLISTER ULNAR-MAMMARY SYNDROME; SCHINZEL SYNDROME. Identifiers: Orphanet 3138, MedGen C1866994, MONDO:0008411, OMIM 181450.

Allele frequency attached by ClinVar (database versions not stated): gnomAD 0.00001; gnomAD exomes 0.00001.
gnomAD v4.1: 4 of 1,598,140 alleles (0.00025%); highest among the groups gnomAD compares: Non-Finnish European, 0.00034%; no homozygotes.

Submissions (2):

Labcorp Genetics (formerly Invitae), Labcorp
Classification: Uncertain significance for Ulnar-mammary syndrome. Last evaluated: 2022-02-09. Review status: criteria provided, single submitter. Criteria: Invitae Variant Classification Sherloc (09022015). Collection method: clinical testing. Allele origin: germline.
Comment: This sequence change replaces serine, which is neutral and polar, with leucine, which is neutral and non-polar, at codon 687 of the TBX3 protein (p.Ser687Leu). The frequency data for this variant in the population databases is considered unreliable, as metrics indicate poor data quality at this position in the gnomAD database. This variant has not been reported in the literature in individuals affected with TBX3-related conditions. Algorithms developed to predict the effect of missense changes on protein structure and function are either unavailable or do not agree on the potential impact of this missense change (SIFT: "Tolerated"; PolyPhen-2: "Probably Damaging"; Align-GVGD: "Class C0"). In summary, the available evidence is currently insufficient to determine the role of this variant in disease. Therefore, it has been classified as a Variant of Uncertain Significance.

PreventionGenetics, part of Exact Sciences
Classification: Uncertain significance for TBX3-related condition. Last evaluated: 2024-01-04. Review status: no assertion criteria provided. Collection method: clinical testing. Allele origin: germline. Not counted in ClinVar's aggregate classification.
Comment: The TBX3 c.2120C>T variant is predicted to result in the amino acid substitution p.Ser707Leu. To our knowledge, this variant has not been reported in the literature. This variant is reported in 0.0018% of alleles in individuals of European (Non-Finnish) descent in gnomAD. At this time, the clinical significance of this variant is uncertain due to the absence of conclusive functional and genetic evidence.

NM_005996.4(TBX3):c.2060C>T (p.Ser687Leu)

Gene: TBX3 (T-box transcription factor 3; minus strand). Cytogenetic location: 12q24.21.
Variant type: single nucleotide variant.
Coding change: c.2060C>T on transcript NM_005996.4 (MANE Select); coding-DNA position 2060, C replaced by T.
Protein change: p.Ser687Leu; replaces serine 687 with leucine.
Molecular consequence: missense variant.
Genome position (GRCh38, 1-based): chr12:114,671,953, G>A on the plus strand (C>T on the coding strand, the complement: TBX3 is on the minus strand). VCF-style: chr12-114671953-G-A. GRCh37 (hg19) VCF-style: chr12-115109758-G-A.
Other names: c.2120C>T, p.Ser707Leu (NM_016569.4); c.2120C>T (NM_016569.3); short protein forms S707L, S687L.
Identifiers: ClinVar variation 1956044 (VCV001956044.6), dbSNP rs1327392865, ClinGen allele CA386867642.